The following is an entry in ClinVar:

NM_004415.4(DSP):c.1357C>A (p.Pro453Thr)

Gene: DSP (desmoplakin; plus strand). Cytogenetic location: 6p24.3.
Variant type: single nucleotide variant.
Coding change: c.1357C>A on transcript NM_004415.4 (MANE Select); coding-DNA position 1357, C replaced by A.
Protein change: p.Pro453Thr; replaces proline 453 with threonine.
Molecular consequence: missense variant.
Genome position (GRCh38, 1-based): chr6:7,568,527, C>A. VCF-style: chr6-7568527-C-A. GRCh37 (hg19) VCF-style: chr6-7568760-C-A.
Other names: c.1357C>A, p.Pro453Thr (NM_001008844.3, NM_001319034.2, NM_001406591.1); short protein forms P453T.
Identifiers: ClinVar variation 2165106 (VCV002165106.4), dbSNP rs1554106845, ClinGen allele CA362676550.

ClinVar aggregate classification (germline): Uncertain significance (1 of 4 stars; one submission).

Conditions:
Arrhythmogenic cardiomyopathy with wooly hair and keratoderma. Also called: PALMOPLANTAR KERATODERMA WITH LEFT VENTRICULAR CARDIOMYOPATHY AND WOOLLY HAIR; Dilated cardiomyopathy with woolly hair and keratoderma; Carvajal syndrome; Arrhythmogenic cardiomyopathy with woolly hair and keratoderma. Identifiers: Orphanet 65282, MedGen C1854063, MONDO:0011581, OMIM 605676.
Arrhythmogenic right ventricular dysplasia 8 (ARVD8). Also called: ARRHYTHMOGENIC RIGHT VENTRICULAR CARDIOMYOPATHY 8; ARRHYTHMOGENIC RIGHT VENTRICULAR DYSPLASIA, FAMILIAL, 8; Arrhythmogenic Right Ventricular Dysplasia/Cardiomyopathy 8. Identifiers: MedGen C1843896, MONDO:0011831, OMIM 607450.

Submission:

Labcorp Genetics (formerly Invitae), Labcorp
Classification: Uncertain significance for Arrhythmogenic cardiomyopathy with wooly hair and keratoderma; Arrhythmogenic right ventricular dysplasia 8. Last evaluated: 2022-08-12. Review status: criteria provided, single submitter. Criteria: Invitae Variant Classification Sherloc (09022015). Collection method: clinical testing. Allele origin: germline.
Comment: In summary, the available evidence is currently insufficient to determine the role of this variant in disease. Therefore, it has been classified as a Variant of Uncertain Significance. Algorithms developed to predict the effect of missense changes on protein structure and function are either unavailable or do not agree on the potential impact of this missense change (SIFT: "Deleterious"; PolyPhen-2: "Probably Damaging"; Align-GVGD: "Class C0"). This variant has not been reported in the literature in individuals affected with DSP-related conditions. This variant is not present in population databases (gnomAD no frequency). This sequence change replaces proline, which is neutral and non-polar, with threonine, which is neutral and polar, at codon 453 of the DSP protein (p.Pro453Thr).